The following is an entry in ClinVar:

NM_001164508.2(NEB):c.12330+4C>T

Gene: NEB (nebulin; minus strand). Cytogenetic location: 2q23.3.
Variant type: single nucleotide variant.
Coding change: c.12330+4C>T on transcript NM_001164508.2 (MANE Select); 4 bases into the intron after coding-DNA position 12330, C replaced by T.
Molecular consequence: intron variant.
Genome position (GRCh38, 1-based): chr2:151,609,805, G>A on the plus strand (C>T on the coding strand, the complement: NEB is on the minus strand). VCF-style: chr2-151609805-G-A. GRCh37 (hg19) VCF-style: chr2-152466319-G-A.
Other names: c.11601+4C>T (NM_004543.5); c.12330+4C>T (NM_001164507.2, NM_001271208.2).
Identifiers: ClinVar variation 1508874 (VCV001508874.6), dbSNP rs772068098, ClinGen allele CA1908542.

ClinVar aggregate classification (germline): Uncertain significance. Review status: criteria provided, multiple submitters, no conflicts (2 of 4 stars). 2 submissions from 2 submitters: Uncertain significance (2). Last evaluated 2024-10-15.

Conditions:
Nemaline myopathy 2 (NEM2). Also called: Nemaline myopathy 2, autosomal recessive. Identifiers: MedGen C1850569, MONDO:0009725, OMIM 256030.

Allele frequency attached by ClinVar (database versions not stated): gnomAD 0.00002; ExAC 0.00003; gnomAD exomes 0.00003.
gnomAD v4.1: 25 of 1,566,904 alleles (0.0016%); highest among the groups gnomAD compares: African/African-American, 0.0068%; no homozygotes.

Submissions (2):

Women's Health and Genetics/Laboratory Corporation of America, LabCorp
Classification: Uncertain significance. Last evaluated: 2024-10-15. Review status: criteria provided, single submitter. Criteria: LabCorp Variant Classification Summary - May 2015. Collection method: clinical testing. Allele origin: germline.

Labcorp Genetics (formerly Invitae), Labcorp
Classification: Uncertain significance for Nemaline myopathy 2. Last evaluated: 2024-02-24. Review status: criteria provided, single submitter. Criteria: Invitae Variant Classification Sherloc (09022015). Collection method: clinical testing. Allele origin: germline.
Comment: This sequence change falls in intron 81 of the NEB gene. It does not directly change the encoded amino acid sequence of the NEB protein. It affects a nucleotide within the consensus splice site. This variant is present in population databases (rs772068098, gnomAD 0.02%). This variant has not been reported in the literature in individuals affected with NEB-related conditions. ClinVar contains an entry for this variant (Variation ID: 1508874). Variants that disrupt the consensus splice site are a relatively common cause of aberrant splicing (PMID: 17576681, 9536098). Algorithms developed to predict the effect of sequence changes on RNA splicing suggest that this variant is not likely to affect RNA splicing. In summary, the available evidence is currently insufficient to determine the role of this variant in disease. Therefore, it has been classified as a Variant of Uncertain Significance.

Literature cited by the submitters: PubMed 17576681 (cited by Labcorp Genetics (formerly Invitae), Labcorp); PubMed 9536098 (cited by Labcorp Genetics (formerly Invitae), Labcorp).